The following is an entry in ClinVar:

ClinVar aggregate classification (germline): Likely benign. Review status: criteria provided, multiple submitters, no conflicts (2 of 4 stars). 2 submissions from 2 submitters: Likely benign (2). Last evaluated 2025-06-06.

Conditions:
Tuberous sclerosis 2 (TSC2). Identifiers: Orphanet 805, MedGen C1860707, MONDO:0013199, OMIM 613254.

Allele frequency attached by ClinVar (database versions not stated): gnomAD exomes below 0.00001.
gnomAD v4.1: 4 of 1,613,122 alleles (0.00025%); highest among the groups gnomAD compares: Non-Finnish European, 0.00034%; no homozygotes.

Submissions (2):

Myriad Genetics, Inc.
Classification: Likely benign for Tuberous sclerosis 2. Last evaluated: 2025-06-06. Review status: criteria provided, single submitter. Criteria: Myriad Autosomal Dominant, Autosomal Recessive and X-Linked Classification Criteria (2023). Collection method: clinical testing. Allele origin: unknown.
Comment: This variant is considered likely benign. This variant is intronic and is not expected to impact mRNA splicing.

Labcorp Genetics (formerly Invitae), Labcorp
Classification: Likely benign for Tuberous sclerosis 2. Last evaluated: 2024-08-28. Review status: criteria provided, single submitter. Criteria: Invitae Variant Classification Sherloc (09022015). Collection method: clinical testing. Allele origin: germline.

NM_000548.5(TSC2):c.5161-17C>T

Gene: TSC2 (TSC complex subunit 2; plus strand). Cytogenetic location: 16p13.3.
Variant type: single nucleotide variant.
Coding change: c.5161-17C>T on transcript NM_000548.5 (MANE Select); 17 bases into the intron before coding-DNA position 5161, C replaced by T.
Molecular consequence: intron variant.
Genome position (GRCh38, 1-based): chr16:2,088,210, C>T. VCF-style: chr16-2088210-C-T. GRCh37 (hg19) VCF-style: chr16-2138211-C-T.
Other names: c.5092-17C>T (NM_001114382.3); c.5032-17C>T (NM_021055.3); c.5032-29C>T (NM_001370405.1); c.4963-17C>T (NM_001363528.2); c.5029-17C>T (NM_001370404.1); c.4960-17C>T (NM_001077183.3); c.4852-17C>T (NM_001318827.2); c.4429-17C>T (NM_001318831.2); and 2 more.
Identifiers: ClinVar variation 1546035 (VCV001546035.9), dbSNP rs1256554136, ClinGen allele CA620705060.